The following is an entry in ClinVar:

NM_001134407.3(GRIN2A):c.2041C>T (p.Arg681Ter)

Gene: GRIN2A (glutamate ionotropic receptor NMDA type subunit 2A; minus strand). Cytogenetic location: 16p13.2.
Variant type: single nucleotide variant.
Coding change: c.2041C>T on transcript NM_001134407.3 (MANE Select); coding-DNA position 2041, C replaced by T.
Protein change: p.Arg681Ter; replaces arginine 681 with a stop codon.
Molecular consequence: nonsense.
Genome position (GRCh38, 1-based): chr16:9,822,391, G>A on the plus strand (C>T on the coding strand, the complement: GRIN2A is on the minus strand). VCF-style: chr16-9822391-G-A. GRCh37 (hg19) VCF-style: chr16-9916248-G-A.
Other names: c.2041C>T, p.Arg681Ter (NM_000833.5, NM_001134408.2); short protein forms R681*.
Identifiers: ClinVar variation 88734 (VCV000088734.39), dbSNP rs397518472, ClinGen allele CA145320.

ClinVar aggregate classification (germline): Pathogenic/Likely pathogenic. Review status: criteria provided, multiple submitters, no conflicts (2 of 4 stars). 4 submissions from 4 submitters: Pathogenic (2); Likely pathogenic (1). 1 of the submissions does not count toward it. Last evaluated 2025-10-11.

Conditions:
Landau-Kleffner syndrome (FESD). Also called: EPILEPSY, FOCAL, WITH SPEECH DISORDER AND WITH OR WITHOUT MENTAL RETARDATION; APHASIA, ACQUIRED, WITH EPILEPSY. Identifiers: Orphanet 1945, Orphanet 725, Orphanet 98818, MedGen C0282512, MONDO:0009509, OMIM 245570.

Submissions (4):

GeneDx
Classification: Pathogenic. Last evaluated: 2025-10-11. Review status: criteria provided, single submitter. Criteria: GeneDx Variant Classification Process June 2021. Collection method: clinical testing. Allele origin: germline. Affected: yes.
Comment: Nonsense variant predicted to result in protein truncation or nonsense mediated decay in a gene for which loss of function is a known mechanism of disease; Not observed at significant frequency in large population cohorts (gnomAD); This variant is associated with the following publications: (PMID: 25498981, 25921602, 33240831, 29655203, 23933819, 40944498, 30544257)

CeGaT Center for Human Genetics Tuebingen
Classification: Pathogenic. Last evaluated: 2021-10-01. Review status: criteria provided, single submitter. Criteria: CeGaT Center For Human Genetics Tuebingen Variant Classification Criteria Version 2. Collection method: clinical testing. Allele origin: germline. Affected: yes. Observed: 1 variant allele.

Institute of Human Genetics, University of Leipzig Medical Center
Classification: Likely pathogenic for Landau-Kleffner syndrome. Last evaluated: 2019-01-01. Review status: criteria provided, single submitter. Criteria: ACMG Guidelines, 2015. Collection method: research. Allele origin: unknown. Affected: yes.

OMIM
Classification: Pathogenic for EPILEPSY, FOCAL, WITH SPEECH DISORDER AND WITH OR WITHOUT MENTAL RETARDATION. Last evaluated: 2013-09-01. Review status: no assertion criteria provided. Collection method: literature only. Allele origin: germline. Not counted in ClinVar's aggregate classification.

Literature cited by the submitters: PubMed 30544257 (cited by Institute of Human Genetics, University of Leipzig Medical Center); PubMed 23933819 (cited by OMIM).